The following is an entry in ClinVar:

ClinVar aggregate classification (germline): Benign (1 of 4 stars; one submission).

Conditions:
Exudative vitreoretinopathy 1 (EVR1). Also called: FEVR, AUTOSOMAL DOMINANT; Familial exudative vitreoretinopathy, autosomal dominant; CRISWICK-SCHEPENS SYNDROME. Identifiers: Orphanet 891, Orphanet 90050, MedGen C1851402, MONDO:0007589, OMIM 133780.

Allele frequency attached by ClinVar (database versions not stated): TOPMed 0.00060; gnomAD 0.00068 and 0.00073.

Submission:

Illumina Laboratory Services, Illumina
Classification: Benign for Exudative vitreoretinopathy 1. Last evaluated: 2017-06-05. Review status: criteria provided, single submitter. Criteria: ICSL Variant Classification Criteria 13 December 2019. Collection method: clinical testing. Allele origin: germline.
Comment: This variant was observed as part of a predisposition screen in an ostensibly healthy population. A literature search was performed for the gene, cDNA change, and amino acid change (where applicable). No publications were found based on this search. Allele frequency data from public databases was too high to be consistent with this variant causing disease. Therefore, this variant is classified as benign.

NM_012193.4(FZD4):c.*3639A>G

Genes: FZD4 (frizzled class receptor 4; minus strand), PRSS23 (serine protease 23; plus strand). Cytogenetic location: 11q14.2.
Variant type: single nucleotide variant.
Coding change: c.*3639A>G on transcript NM_012193.4 (MANE Select); 3639 bases downstream of the stop codon, A replaced by G.
Molecular consequence: 3 prime UTR variant.
Genome position (GRCh38, 1-based): chr11:86,947,503, T>C on the plus strand (A>G on the coding strand, the complement: FZD4 is on the minus strand). VCF-style: chr11-86947503-T-C. GRCh37 (hg19) VCF-style: chr11-86658545-T-C.
Identifiers: ClinVar variation 880611 (VCV000880611.4), dbSNP rs577322047, ClinGen allele CA225377093.